The following is an entry in ClinVar:

ClinVar aggregate classification (germline): Uncertain significance (1 of 4 stars; one submission).

Conditions:
Inborn genetic diseases. Identifiers: MedGen C0950123, MeSH D030342.

Submission:

Ambry Genetics
Classification: Uncertain significance for Inborn genetic diseases. Last evaluated: 2024-07-23. Review status: criteria provided, single submitter. Criteria: Ambry Variant Classification Scheme 2023. Collection method: clinical testing. Allele origin: germline.
Comment: The c.382T>G (p.S128A) alteration is located in exon 4 (coding exon 3) of the SIN3A gene. This alteration results from a T to G substitution at nucleotide position 382, causing the serine (S) at amino acid position 128 to be replaced by an alanine (A). This variant was not reported in population-based cohorts in the Genome Aggregation Database (gnomAD). This amino acid position is highly conserved in available vertebrate species. The in silico prediction for this alteration is inconclusive. Based on insufficient or conflicting evidence, the clinical significance of this alteration remains unclear.

NM_001145358.2(SIN3A):c.382T>G (p.Ser128Ala)

Gene: SIN3A (SIN3 transcription regulator family member A; minus strand). Cytogenetic location: 15q24.2.
Variant type: single nucleotide variant.
Coding change: c.382T>G on transcript NM_001145358.2 (MANE Select); coding-DNA position 382, T replaced by G.
Protein change: p.Ser128Ala; replaces serine 128 with alanine.
Molecular consequence: missense variant.
Genome position (GRCh38, 1-based): chr15:75,414,296, A>C on the plus strand (T>G on the coding strand, the complement: SIN3A is on the minus strand). VCF-style: chr15-75414296-A-C. GRCh37 (hg19) VCF-style: chr15-75706637-A-C.
Other names: c.382T>G, p.Ser128Ala (NM_001145357.2, NM_015477.3); short protein forms S128A.
Identifiers: ClinVar variation 3318556 (VCV003318556.2).